The following is an entry in ClinVar:

NM_000256.3(MYBPC3):c.2459G>A (p.Arg820Gln)

Gene: MYBPC3 (myosin binding protein C3; minus strand). Cytogenetic location: 11p11.2.
Variant type: single nucleotide variant.
Coding change: c.2459G>A on transcript NM_000256.3 (MANE Select); coding-DNA position 2459, G replaced by A.
Protein change: p.Arg820Gln; replaces arginine 820 with glutamine.
Molecular consequence: missense variant.
Genome position (GRCh38, 1-based): chr11:47,337,534, C>T on the plus strand (G>A on the coding strand, the complement: MYBPC3 is on the minus strand). VCF-style: chr11-47337534-C-T. GRCh37 (hg19) VCF-style: chr11-47359085-C-T.
Other names: p.R820Q:CGG>CAG; short protein forms R820Q.
Identifiers: ClinVar variation 8617 (VCV000008617.60), dbSNP rs2856655, ClinGen allele CA012326.
Genomic context (GRCh38, chr11:47,337,534, plus strand): 5'-ACGCCCTCGATCATGCGCCGCGCTTCATGACTCAGCTCCTGAATCAGGTCGAAGTTCAGC[C>T]GCATCCACCGGTAGCTCTTCTTCTTCTTGCGCTCCAGGATGTAGCCTGGCTCAGGGGAGG-3'
Protein context (NP_000247.2, residues 810-830): RKKKKSYRWM[Arg820Gln]LNFDLIQELS

ClinVar aggregate classification (germline): Pathogenic/Likely pathogenic. Review status: criteria provided, multiple submitters, no conflicts (2 of 4 stars). 19 submissions from 19 submitters: Pathogenic (9); Likely pathogenic (7). 3 of the submissions do not count toward it. Last evaluated 2026-06-24.

Conditions:
MYBPC3-related disorder. Also called: MYBPC3-related disorders; MYBPC3-related condition; MYBPC3-related disease.
Cardiovascular phenotype. Identifiers: MedGen CN230736.
Hypertrophic cardiomyopathy 4. Also called: Familial hypertrophic cardiomyopathy 4. Identifiers: MedGen C1861862, MONDO:0007268, OMIM 115197.
Left ventricular noncompaction 10 (LVNC10). Identifiers: Orphanet 154, Orphanet 54260, MedGen C3715165, MONDO:0014163, OMIM 615396.
Cardiomyopathy (CMYO). Also called: Cardiomyopathies. Identifiers: Orphanet 167848, MedGen C0878544, MONDO:0004994, HP:0001638. Inheritance: Various modes of inheritance.
Primary familial hypertrophic cardiomyopathy (HCM). Identifiers: Orphanet 99739, MedGen C0949658, MeSH D024741, MONDO:0024573. Inheritance: Various modes of inheritance.
Hypertrophic cardiomyopathy. Also called: HYPERTROPHIC MYOCARDIOPATHY. Identifiers: Orphanet 217569, MedGen C0007194, MeSH D002312, MONDO:0005045, HP:0001639.

Allele frequency attached by ClinVar (database versions not stated): ExAC 0.00002; gnomAD 0.00002 and 0.00003; gnomAD exomes 0.00002; TOPMed 0.00002.
gnomAD v4.1: 45 of 1,613,862 alleles (0.0028%); highest among the groups gnomAD compares: East Asian, 0.022%; no homozygotes.

Submissions 1 to 7 of 19:

GeneDx
Classification: Likely pathogenic. Last evaluated: 2026-06-24. Review status: criteria provided, single submitter. Criteria: GeneDx Variant Classification Process June 2021. Collection method: clinical testing. Allele origin: germline.
Comment: Not observed at significant frequency in large population cohorts (gnomAD); In silico analysis supports that this missense variant has a deleterious effect on protein structure/function; This variant is associated with the following publications: (PMID: 18761664, 23197398, 16181148, 31524317, 23396983, 26688216, 24510615, 12951062, 15671604, 25281569, 27483260, 27532257, 28420666, 29398688, 20975235, 17263690, 22112859, 19149795, 16115294, 24793961, 18929575, 20800588, 28087566, 25351510, 24621997, 20474083, 28679633, 29907873, 30165862, 31451005, 30847666, 31447099, 31142139, 33487615, 33673806, 33407484, 34135346, 33658040, 34542152, 34915024, 18533079, 22267749, 32492895, 36264615, 37652022, 34400558, 32830170, 37728764, 38042491, 33782553, 12628722, 40115818, 38757491, 32841044, 38489124, 33495596, Gagliardi2025[CaseReport], 38456273, 39472908, 39843441)

Ambry Genetics
Classification: Likely pathogenic for Cardiovascular phenotype. Last evaluated: 2026-04-07. Review status: criteria provided, single submitter. Criteria: Ambry Variant Classification Scheme 2023. Collection method: clinical testing. Allele origin: germline.
Comment: Based on data from gnomAD, the T allele has an overall frequency of 0.002% (5/249220) total alleles studied. The highest observed frequency was 0.0056% (1/17976) of East Asian alleles. This alteration has been reported in multiple individuals with hypertrophic cardiomyopathy (HCM) and has been shown to segregate with disease (Konno, 2003; Nanni, 2003; Bahrudin, 2008; Otsuka, 2012; Lopes, 2015; Seidelmann, 2017; Walsh, 2017). This amino acid position is highly conserved in available vertebrate species. The in silico prediction for this alteration is inconclusive. Based on the available evidence, this alteration is classified as likely pathogenic.

3billion
Classification: Pathogenic for Hypertrophic cardiomyopathy 4. Last evaluated: 2026-01-19. Review status: criteria provided, single submitter. Criteria: ACMG Guidelines, 2015. Collection method: clinical testing. Allele origin: germline. Affected: yes.
Comment: The variant is observed at an extremely low frequency in the gnomAD v4.1.0 dataset (total allele frequency: 0.003%). Predicted Consequence/Location: Missense variant Functional studies provide moderate evidence of the variant having a damaging effect on the gene or gene product (PMID: 25281569). The same nucleotide change resulting in the same amino acid change has been previously reported as pathogenic/likely pathogenic with strong evidence (ClinVar ID: VCV000008617 /PMID: 12628722 /3billion dataset). The variant has been observed in multiple (>3) similarly affected unrelated individuals (PMID: 12628722, 12951062). The variant has been reported to co-segregate with the disease in at least 3 similarly affected relatives/individuals in the same family or similarly affected unrelated families (PMID: 12628722, 12951062). Different missense changes at the same codon (p.Arg820Pro, p.Arg820Trp) have been reported as pathogenic/likely pathogenic with strong evidence (ClinVar ID: VCV000180970, VCV000195850 /PMID: 20542340). Therefore, this variant is classified as Pathogenic according to the recommendation of ACMG/AMP guideline.

Labcorp Genetics (formerly Invitae), Labcorp
Classification: Pathogenic for Hypertrophic cardiomyopathy. Last evaluated: 2026-01-19. Review status: criteria provided, single submitter. Criteria: Invitae Variant Classification Sherloc (09022015). Collection method: clinical testing. Allele origin: germline.
Comment: This sequence change replaces arginine, which is basic and polar, with glutamine, which is neutral and polar, at codon 820 of the MYBPC3 protein (p.Arg820Gln). This variant is present in population databases (rs2856655, gnomAD 0.006%). This missense change has been observed in individuals with hypertrophic cardiomyopathy (PMID: 12628722, 12951062, 18761664, 18929575, 20542340, 20800588, 22112859, 22267749, 25281569, 27483260, 28087566). It is commonly reported in individuals of Japan ancestry (PMID: 12628722, 12951062, 18761664, 18929575, 20542340, 20800588, 22112859, 22267749, 25281569, 27483260, 28087566). This variant is also known as c.2491G>A. ClinVar contains an entry for this variant (Variation ID: 8617). An algorithm developed to predict the effect of missense changes on protein structure and function (PolyPhen-2) suggests that this variant is likely to be disruptive. Experimental studies have shown that this missense change affects MYBPC3 function (PMID: 25281569). For these reasons, this variant has been classified as Pathogenic.

CeGaT Center for Human Genetics Tuebingen
Classification: Pathogenic. Last evaluated: 2025-07-01. Review status: criteria provided, single submitter. Criteria: CeGaT Center For Human Genetics Tuebingen Variant Classification Criteria Version 2. Collection method: clinical testing. Allele origin: germline. Affected: yes. Observed: 1 variant allele.
Comment: MYBPC3: PP1:Strong, PS4, PM5, PM2:Supporting, PS3:Supporting

Blueprint Genetics
Classification: Pathogenic for MYBPC3-related disorders. Last evaluated: 2024-09-23. Review status: criteria provided, single submitter. Criteria: ACMG Guidelines, 2015. Collection method: clinical testing. Allele origin: germline. Affected: yes. Observed: 4 variant alleles.

All of Us Research Program, National Institutes of Health
Classification: Likely pathogenic for Hypertrophic cardiomyopathy. Last evaluated: 2024-09-16. Review status: criteria provided, single submitter. Criteria: ACMG Guidelines, 2015. Collection method: clinical testing. Allele origin: germline. Inheritance: Autosomal dominant inheritance. Observed: 10 variant alleles, 10 heterozygotes.
Comment: This missense variant replaces arginine with glutamine at codon 820 of the fibronectin type 3 domain C6 of the MYBPC3 protein. Computational prediction tools indicate that this variant has a neutral impact on protein structure and function. A functional study performed in a zebrafish model has shown that this variant causes a phenotype consistent with hypertrophic cardiomyopathy (PMID: 25281569). This variant has been reported in over 30 unrelated individuals affected with hypertrophic cardiomyopathy (PMID: 12628722, 14563344, 16181148, 22112859, 22267749, 24510615, 25351510, 27483260, 27532257, 28087566, 32492895, 32830170, 32841044, 33407484, 33487615, 33495596, 33495597, 33658040, 33673806, 33782553, 34542152, 38489124, 38757491). It has been shown that this variant segregates with disease in six affected individuals across three families (PMID: 12628722). This variant has been reported in an individual affected with pediatric hypertrophic cardiomyopathy in compound heterozygous state with a different MYBPC3 variant (PMID: 25281569). This variant has also been reported in two individuals affected with dilated cardiomyopathy (PMID: 12628722, 15671604, 31524317). A different variant affecting the same codon, p.Arg820Trp, is considered to be disease-causing (ClinVar variation ID: 195850), suggesting that arginine at this position is important for MYBPC3 protein function. This variant has been identified in 5/249220 chromosomes in the general population by the Genome Aggregation Database (gnomAD). Based on the available evidence, this variant is classified as Likely Pathogenic.

This study involves interpretation of variants in research participants for the purpose of population health screening. Participant phenotype was not available at the time of variant classification. Additional details can be found in publication PMID: 35346344, PMCID: PMC8962531